The following is an entry in ClinVar:

ClinVar aggregate classification (germline): Uncertain significance (1 of 4 stars; one submission).

Conditions:
Hereditary cancer-predisposing syndrome. Also called: Neoplastic Syndromes, Hereditary; Tumor predisposition; Hereditary neoplastic syndrome; Hereditary Cancer Syndrome. Identifiers: Orphanet 140162, MedGen C0027672, MeSH D009386, MONDO:0015356.

Allele frequency attached by ClinVar (database versions not stated): gnomAD 0.00001.
gnomAD v4.1: 2 of 1,613,562 alleles (0.00012%); no homozygotes.

Submission:

Ambry Genetics
Classification: Uncertain significance for Hereditary cancer-predisposing syndrome. Last evaluated: 2024-02-10. Review status: criteria provided, single submitter. Criteria: Ambry Variant Classification Scheme 2023. Collection method: clinical testing. Allele origin: germline.
Comment: The p.A35V variant (also known as c.104C>T), located in coding exon 2 of the RET gene, results from a C to T substitution at nucleotide position 104. The alanine at codon 35 is replaced by valine, an amino acid with similar properties. This amino acid position is conserved. In addition, this alteration is predicted to be tolerated by in silico analysis. Based on the available evidence, the clinical significance of this alteration remains unclear.

NM_020975.6(RET):c.104C>T (p.Ala35Val)

Gene: RET (ret proto-oncogene; plus strand). Cytogenetic location: 10q11.21.
Variant type: single nucleotide variant.
Coding change: c.104C>T on transcript NM_020975.6 (MANE Select); coding-DNA position 104, C replaced by T.
Protein change: p.Ala35Val; replaces alanine 35 with valine.
Molecular consequence: missense variant. On other transcripts: intron variant (4).
Genome position (GRCh38, 1-based): chr10:43,100,489, C>T. VCF-style: chr10-43100489-C-T. GRCh37 (hg19) VCF-style: chr10-43595937-C-T.
Other names: c.104C>T, p.Ala35Val (NM_001406759.1, NM_001406760.1, NM_001406761.1 and 34 more transcripts); c.74-8542C>T (NM_001406784.1); c.74-11610C>T (NM_001406794.1, NM_001406792.1, NM_001406793.1); short protein forms A35V.
Identifiers: ClinVar variation 3227500 (VCV003227500.1), dbSNP rs1220655426, ClinGen allele CA376770099.